The following is an entry in ClinVar:

ClinVar aggregate classification (germline): Conflicting classifications of pathogenicity. Review status: criteria provided, conflicting classifications (1 of 4 stars). 8 submissions from 8 submitters: Uncertain significance (3); Benign (2); Likely benign (3). Last evaluated 2026-02-02.

Conditions:
Inborn genetic diseases. Identifiers: MedGen C0950123, MeSH D030342.
Pitt-Hopkins-like syndrome 2 (PTHSL2). Identifiers: Orphanet 221150, Orphanet 600663, MedGen C3280479, MONDO:0013690, OMIM 614325.

Allele frequency attached by ClinVar (database versions not stated): 1000 Genomes Project 30x 0.00016; gnomAD exomes 0.00050 and 0.00118; gnomAD 0.00056 and 0.00059; TOPMed 0.00062; ESP Exome Variant Server 0.00083; ExAC 0.00103.
gnomAD v4.1: 1,683 of 1,517,072 alleles (0.11%); highest among the groups gnomAD compares: Non-Finnish European, 0.14%; 1 homozygote.

Submissions (8):

Labcorp Genetics (formerly Invitae), Labcorp
Classification: Benign for Pitt-Hopkins-like syndrome 2. Last evaluated: 2026-02-02. Review status: criteria provided, single submitter. Criteria: Invitae Variant Classification Sherloc (09022015). Collection method: clinical testing. Allele origin: germline.

CeGaT Center for Human Genetics Tuebingen
Classification: Likely benign. Last evaluated: 2026-02-01. Review status: criteria provided, single submitter. Criteria: CeGaT Center For Human Genetics Tuebingen Variant Classification Criteria Version 2. Collection method: clinical testing. Allele origin: germline. Affected: yes. Observed: 8 variant alleles.
Comment: NRXN1: BP4, BP7

Blueprint Genetics
Classification: Likely benign. Last evaluated: 2024-10-22. Review status: criteria provided, single submitter. Criteria: ACMG Guidelines, 2015. Collection method: clinical testing. Allele origin: germline.

Illumina Laboratory Services, Illumina
Classification: Uncertain significance for Pitt-Hopkins-like syndrome 2. Last evaluated: 2018-01-15. Review status: criteria provided, single submitter. Criteria: ICSL Variant Classification Criteria 13 December 2019. Collection method: clinical testing. Allele origin: germline.

Eurofins Ntd Llc (ga)
Classification: Uncertain significance. Last evaluated: 2017-07-19. Review status: criteria provided, single submitter. Criteria: EGL Classification Definitions 2015. Collection method: clinical testing. Allele origin: germline. Observed: 4 variant alleles, 4 heterozygotes.

Ambry Genetics
Classification: Likely benign for Inborn genetic diseases. Last evaluated: 2016-09-28. Review status: criteria provided, single submitter. Criteria: Ambry Variant Classification Scheme 2023. Collection method: clinical testing. Allele origin: germline.

Genetic Services Laboratory, University of Chicago
Classification: Uncertain significance. Last evaluated: 2015-03-13. Review status: criteria provided, single submitter. Criteria: ACMG Guidelines, 2015. Collection method: clinical testing. Allele origin: germline.

GeneDx
Classification: Benign. Last evaluated: 2014-01-07. Review status: criteria provided, single submitter. Criteria: GeneDx Variant Classification (06012015). Collection method: clinical testing. Allele origin: germline. Affected: yes.
Comment: This variant is considered likely benign or benign based on one or more of the following criteria: it is a conservative change, it occurs at a poorly conserved position in the protein, it is predicted to be benign by multiple in silico algorithms, and/or has population frequency not consistent with disease.

NM_001330078.2(NRXN1):c.105C>A (p.Gly35=)

Gene: NRXN1 (neurexin 1; minus strand). Cytogenetic location: 2p16.3.
Variant type: single nucleotide variant.
Coding change: c.105C>A on transcript NM_001330078.2 (MANE Select); coding-DNA position 105, C replaced by A.
Protein change: p.Gly35=; no amino-acid change (glycine 35 retained).
Molecular consequence: synonymous variant.
Genome position (GRCh38, 1-based): chr2:51,028,169, G>T on the plus strand (C>A on the coding strand, the complement: NRXN1 is on the minus strand). VCF-style: chr2-51028169-G-T. GRCh37 (hg19) VCF-style: chr2-51255307-G-T.
Other names: p.G35G:GGC>GGA; c.105C>A, p.Gly35= (NM_001135659.3, NM_001330077.2, NM_001330079.2 and 15 more transcripts).
Identifiers: ClinVar variation 93584 (VCV000093584.65), dbSNP rs55640811, ClinGen allele CA221522.